The following is an entry in ClinVar:

NM_000138.5(FBN1):c.6783dup (p.Gln2262fs)

Gene: FBN1 (fibrillin 1; minus strand). Cytogenetic location: 15q21.1.
Variant type: Duplication.
Coding change: c.6783dup on transcript NM_000138.5 (MANE Select); coding-DNA position 6783, one base duplicated (A; older notation c.6783dupA).
Protein change: p.Gln2262fs; shifts the reading frame from glutamine 2262.
Molecular consequence: frameshift variant.
Genome position (GRCh38, 1-based): chr15:48,430,759, T duplicated on the plus strand (A on the coding strand, the reverse complement: FBN1 is on the minus strand); the first of 5 consecutive T bases (chr15:48,430,759-48,430,763); duplicating any one gives the same sequence. VCF-style (leftmost placement, unchanged base first): chr15-48430758-G-GT. GRCh37 (hg19) VCF-style: chr15-48722955-G-GT.
Other names: c.6783dup (NM_000138.4); c.6783dup, p.Gln2262fs (NM_001406716.1); short protein forms Q2262fs.
Identifiers: ClinVar variation 1325448 (VCV001325448.2), dbSNP rs2141232621, ClinGen allele CA2573150973.

ClinVar aggregate classification (germline): Pathogenic (1 of 4 stars; one submission).

Conditions:
Marfan syndrome (MFS). Also called: Marfan syndrome type 1; Marfan's syndrome; FBN1-Related Marfan Syndrome; MARFAN SYNDROME, TYPE I; Marfan syndrome, classic. Identifiers: Orphanet 284963, Orphanet 558, MedGen C0024796, MONDO:0007947, OMIM 154700.

Submission:

Centre of Medical Genetics, University of Antwerp
Classification: Pathogenic for Marfan syndrome. Last evaluated: 2021-03-01. Review status: criteria provided, single submitter. Criteria: Submitter's publication. Collection method: research. Allele origin: unknown. Affected: yes.
Comment: PM2, PVS1, PP4